The following is an entry in ClinVar:

NM_000548.5(TSC2):c.1901A>G (p.Lys634Arg)

Gene: TSC2 (TSC complex subunit 2; plus strand). Cytogenetic location: 16p13.3.
Variant type: single nucleotide variant.
Coding change: c.1901A>G on transcript NM_000548.5 (MANE Select); coding-DNA position 1901, A replaced by G.
Protein change: p.Lys634Arg; replaces lysine 634 with arginine.
Molecular consequence: missense variant.
Genome position (GRCh38, 1-based): chr16:2,071,571, A>G. VCF-style: chr16-2071571-A-G. GRCh37 (hg19) VCF-style: chr16-2121572-A-G.
Other names: c.1901A>G, p.Lys634Arg (NM_001077183.3, NM_001114382.3, NM_001363528.2 and 6 more transcripts); c.1790A>G, p.Lys597Arg (NM_001318827.2, NM_001406670.1, NM_001406678.1); c.1754A>G, p.Lys585Arg (NM_001318829.2, NM_001406675.1, NM_001406676.1 and 1 more transcripts); c.1301A>G, p.Lys434Arg (NM_001318831.2, NM_001406680.1, NM_001406682.1 and 6 more transcripts); c.1934A>G, p.Lys645Arg (NM_001318832.2); c.1439A>G, p.Lys480Arg (NM_001406681.1); c.557A>G, p.Lys186Arg (NM_001406689.1, NM_001406690.1, NM_001406691.1 and 6 more transcripts); c.299A>G, p.Lys100Arg (NM_001406698.1); and 3 more; short protein forms K100R, K434R, K186R, K645R, K480R, K630R, K634R, K585R.
Identifiers: ClinVar variation 1998621 (VCV001998621.6), dbSNP rs2088398498, ClinGen allele CA394273155.

ClinVar aggregate classification (germline): Uncertain significance. Review status: criteria provided, multiple submitters, no conflicts (2 of 4 stars). 3 submissions from 3 submitters: Uncertain significance (3). Last evaluated 2025-12-27.

Conditions:
Hereditary cancer-predisposing syndrome. Also called: Hereditary Cancer Syndrome; Tumor predisposition; Hereditary neoplastic syndrome; Neoplastic Syndromes, Hereditary. Identifiers: Orphanet 140162, MedGen C0027672, MeSH D009386, MONDO:0015356.
Tuberous sclerosis 2 (TSC2). Identifiers: Orphanet 805, MedGen C1860707, MONDO:0013199, OMIM 613254.
Tuberous sclerosis syndrome (TSC). Also called: Tuberous Sclerosis Complex; Tuberous sclerosis. Identifiers: Orphanet 805, MedGen C0041341, MONDO:0001734.

Allele frequency attached by ClinVar (database versions not stated): gnomAD 0.00001.
gnomAD v4.1: 1 of 1,613,394 alleles (0.000062%); highest among the groups gnomAD compares: African/African-American, 0.0013%; no homozygotes.

Submissions (3):

Labcorp Genetics (formerly Invitae), Labcorp
Classification: Uncertain significance for Tuberous sclerosis 2. Last evaluated: 2025-12-27. Review status: criteria provided, single submitter. Criteria: Invitae Variant Classification Sherloc (09022015). Collection method: clinical testing. Allele origin: germline.
Comment: This sequence change replaces lysine, which is basic and polar, with arginine, which is basic and polar, at codon 634 of the TSC2 protein (p.Lys634Arg). This variant is not present in population databases (gnomAD no frequency). This variant has not been reported in the literature in individuals affected with TSC2-related conditions. ClinVar contains an entry for this variant (Variation ID: 1998621). Invitae Evidence Modeling of protein sequence and biophysical properties (such as structural, functional, and spatial information, amino acid conservation, physicochemical variation, residue mobility, and thermodynamic stability) indicates that this missense variant is not expected to disrupt TSC2 protein function with a negative predictive value of 95%. In summary, the available evidence is currently insufficient to determine the role of this variant in disease. Therefore, it has been classified as a Variant of Uncertain Significance.

Color Diagnostics, LLC DBA Color Health
Classification: Uncertain significance for Tuberous sclerosis syndrome. Last evaluated: 2025-06-29. Review status: criteria provided, single submitter. Criteria: ACMG Guidelines, 2015. Collection method: clinical testing. Allele origin: germline.
Comment: This missense variant replaces lysine with arginine at codon 634 of the TSC2 protein. Computational prediction is inconclusive regarding the impact of this variant on protein structure and function. To our knowledge, functional studies have not been reported for this variant. This variant has not been reported in individuals affected with TSC2-related disorders in the literature. This variant has not been identified in the general population by the Genome Aggregation Database (gnomAD). The available evidence is insufficient to determine the role of this variant in disease conclusively. Therefore, this variant is classified as a Variant of Uncertain Significance.

Ambry Genetics
Classification: Uncertain significance for Hereditary cancer-predisposing syndrome. Last evaluated: 2025-06-25. Review status: criteria provided, single submitter. Criteria: Ambry Variant Classification Scheme 2023. Collection method: clinical testing. Allele origin: germline.
Comment: The p.K634R variant (also known as c.1901A>G), located in coding exon 17 of the TSC2 gene, results from an A to G substitution at nucleotide position 1901. The lysine at codon 634 is replaced by arginine, an amino acid with highly similar properties. This amino acid position is conserved. In addition, this alteration is predicted to be deleterious by in silico analysis. Based on the available evidence, the clinical significance of this variant remains unclear.